The following is an entry in ClinVar:

NM_000051.4(ATM):c.8419-2A>G

Genes: ATM (ATM serine/threonine kinase; plus strand), C11orf65 (chromosome 11 open reading frame 65; minus strand). Cytogenetic location: 11q22.3.
Variant type: single nucleotide variant.
Coding change: c.8419-2A>G on transcript NM_000051.4 (MANE Select); the canonical splice acceptor site of the intron before coding-DNA position 8419, A replaced by G.
Molecular consequence: splice acceptor variant. On other transcripts: intron variant (2).
Genome position (GRCh38, 1-based): chr11:108,345,741, A>G. VCF-style: chr11-108345741-A-G. GRCh37 (hg19) VCF-style: chr11-108216468-A-G.
Other names: c.8419-2A>G (NM_001351834.2); c.641-36670T>C (NM_001330368.2); c.695-10449T>C (NM_001351110.2).
Identifiers: ClinVar variation 524347 (VCV000524347.8), dbSNP rs1555137917, ClinGen allele CA382517699.

ClinVar aggregate classification (germline): Likely pathogenic (1 of 4 stars; one submission).

Conditions:
Ataxia-telangiectasia syndrome (AT). Also called: Cerebello-oculocutaneous telangiectasia; Immunodeficiency with ataxia telangiectasia; Ataxia-telangiectasia, complementation group E; Ataxia-telangiectasia, complementation group D; AT, COMPLEMENTATION GROUP C; ATAXIA-TELANGIECTASIA, COMPLEMENTATION GROUP A. Identifiers: Orphanet 100, MedGen C0004135, MONDO:0008840, OMIM 208900.

Submission:

Labcorp Genetics (formerly Invitae), Labcorp
Classification: Likely pathogenic for Ataxia-telangiectasia syndrome. Last evaluated: 2022-06-09. Review status: criteria provided, single submitter. Criteria: Invitae Variant Classification Sherloc (09022015). Collection method: clinical testing. Allele origin: germline.
Comment: In summary, the currently available evidence indicates that the variant is pathogenic, but additional data are needed to prove that conclusively. Therefore, this variant has been classified as Likely Pathogenic. ClinVar contains an entry for this variant (Variation ID: 524347). Algorithms developed to predict the effect of sequence changes on RNA splicing suggest that this variant may disrupt the consensus splice site. This variant has not been reported in the literature in individuals affected with ATM-related conditions. This variant is not present in population databases (gnomAD no frequency). This sequence change affects an acceptor splice site in intron 57 of the ATM gene. It is expected to disrupt RNA splicing. Variants that disrupt the donor or acceptor splice site typically lead to a loss of protein function (PMID: 16199547), and loss-of-function variants in ATM are known to be pathogenic (PMID: 23807571, 25614872).

Literature cited by the submitters: PubMed 16199547; PubMed 23807571; PubMed 25614872.